The following is an entry in ClinVar:

ClinVar aggregate classification (germline): Uncertain significance (1 of 4 stars; one submission).

Conditions:
Atrial fibrillation, familial, 14 (ATFB14). Identifiers: MedGen C3809312, MONDO:0014156, OMIM 615378.

Allele frequency attached by ClinVar (database versions not stated): gnomAD exomes below 0.00001; ExAC 0.00001.
gnomAD v4.1: 2 of 1,614,188 alleles (0.00012%); highest among the groups gnomAD compares: African/African-American, 0.0013%; no homozygotes.

Submission:

Labcorp Genetics (formerly Invitae), Labcorp
Classification: Uncertain significance for Atrial fibrillation, familial, 14. Last evaluated: 2022-08-16. Review status: criteria provided, single submitter. Criteria: Invitae Variant Classification Sherloc (09022015). Collection method: clinical testing. Allele origin: germline.
Comment: Algorithms developed to predict the effect of missense changes on protein structure and function output the following: SIFT: "Tolerated"; PolyPhen-2: "Benign"; Align-GVGD: "Class C0". The lysine amino acid residue is found in multiple mammalian species, which suggests that this missense change does not adversely affect protein function. This sequence change replaces arginine, which is basic and polar, with lysine, which is basic and polar, at codon 115 of the SCN2B protein (p.Arg115Lys). This variant is present in population databases (rs750313446, gnomAD no frequency). This variant has not been reported in the literature in individuals affected with SCN2B-related conditions. ClinVar contains an entry for this variant (Variation ID: 1440200). In summary, the available evidence is currently insufficient to determine the role of this variant in disease. Therefore, it has been classified as a Variant of Uncertain Significance.

NM_004588.5(SCN2B):c.344G>A (p.Arg115Lys)

Gene: SCN2B (sodium voltage-gated channel beta subunit 2; minus strand). Cytogenetic location: 11q23.3.
Variant type: single nucleotide variant.
Coding change: c.344G>A on transcript NM_004588.5 (MANE Select); coding-DNA position 344, G replaced by A.
Protein change: p.Arg115Lys; replaces arginine 115 with lysine.
Molecular consequence: missense variant.
Genome position (GRCh38, 1-based): chr11:118,168,189, C>T on the plus strand (G>A on the coding strand, the complement: SCN2B is on the minus strand). VCF-style: chr11-118168189-C-T. GRCh37 (hg19) VCF-style: chr11-118038904-C-T.
Other names: short protein forms R115K.
Identifiers: ClinVar variation 1440200 (VCV001440200.8), dbSNP rs750313446, ClinGen allele CA6300478.